The following is an entry in ClinVar:

ClinVar aggregate classification (germline): Uncertain significance. Review status: criteria provided, multiple submitters, no conflicts (2 of 4 stars). 2 submissions from 2 submitters: Uncertain significance (2). Last evaluated 2025-06-19.

Conditions:
Hereditary cancer-predisposing syndrome. Also called: Neoplastic Syndromes, Hereditary; Tumor predisposition; Hereditary neoplastic syndrome; Hereditary Cancer Syndrome. Identifiers: Orphanet 140162, MedGen C0027672, MeSH D009386, MONDO:0015356.

Submissions (2):

Labcorp Genetics (formerly Invitae), Labcorp
Classification: Uncertain significance. Last evaluated: 2025-06-19. Review status: criteria provided, single submitter. Criteria: Invitae Variant Classification Sherloc (09022015). Collection method: clinical testing. Allele origin: germline.
Comment: This sequence change replaces leucine, which is neutral and non-polar, with glutamine, which is neutral and polar, at codon 19 of the SMARCB1 protein (p.Leu19Gln). This variant is not present in population databases (gnomAD no frequency). This variant has not been reported in the literature in individuals affected with SMARCB1-related conditions. ClinVar contains an entry for this variant (Variation ID: 3320799). An algorithm developed to predict the effect of missense changes on protein structure and function (PolyPhen-2) suggests that this variant is likely to be tolerated. In summary, the available evidence is currently insufficient to determine the role of this variant in disease. Therefore, it has been classified as a Variant of Uncertain Significance.

Ambry Genetics
Classification: Uncertain significance for Hereditary cancer-predisposing syndrome. Last evaluated: 2024-03-15. Review status: criteria provided, single submitter. Criteria: Ambry Variant Classification Scheme 2023. Collection method: clinical testing. Allele origin: germline.
Comment: The p.L19Q variant (also known as c.56T>A), located in coding exon 1 of the SMARCB1 gene, results from a T to A substitution at nucleotide position 56. The leucine at codon 19 is replaced by glutamine, an amino acid with dissimilar properties. This amino acid position is highly conserved in available vertebrate species. In addition, this alteration is predicted to be deleterious by in silico analysis. Based on the available evidence, the clinical significance of this alteration remains unclear.

NM_003073.5(SMARCB1):c.56T>A (p.Leu19Gln)

Gene: SMARCB1 (SWI/SNF related BAF chromatin remodeling complex subunit B1; plus strand). Cytogenetic location: 22q11.23.
Variant type: single nucleotide variant.
Coding change: c.56T>A on transcript NM_003073.5 (MANE Select); coding-DNA position 56, T replaced by A.
Protein change: p.Leu19Gln; replaces leucine 19 with glutamine.
Molecular consequence: missense variant.
Genome position (GRCh38, 1-based): chr22:23,787,225, T>A. VCF-style: chr22-23787225-T-A. GRCh37 (hg19) VCF-style: chr22-24129412-T-A.
Other names: c.56T>A, p.Leu19Gln (NM_001007468.3, NM_001317946.2, NM_001362877.2); short protein forms L19Q.
Identifiers: ClinVar variation 3320799 (VCV003320799.2).